The following is an entry in ClinVar:

NC_000003.11:g.(?_14206908)_(14207105_?)del

Gene: XPC (XPC complex subunit, DNA damage recognition and repair factor; minus strand). Cytogenetic location: 3p25.1.
Variant type: Deletion.
Identifiers: ClinVar variation 3246996 (VCV003246996.1).

ClinVar aggregate classification (germline): Pathogenic (1 of 4 stars; one submission).

Submission:

Labcorp Genetics (formerly Invitae), Labcorp
Classification: Pathogenic. Last evaluated: 2023-10-08. Review status: criteria provided, single submitter. Criteria: Invitae Variant Classification Sherloc (09022015). Collection method: clinical testing. Allele origin: unknown.
Comment: This variant is a gross deletion of the genomic region encompassing exon(s) 6 of the XPC gene. This deletion is out-of-frame, and is expected to create a premature termination codon and result in an absent or disrupted protein product. Loss-of-function variants in XPC are known to be pathogenic (PMID: 23173980, 25256075). This variant has not been reported in the literature in individuals affected with XPC-related conditions. For these reasons, this variant has been classified as Pathogenic.

Literature cited by the submitters: PubMed 23173980; PubMed 25256075.